The following is an entry in ClinVar:

NM_004821.3(HAND1):c.4A>G (p.Asn2Asp)

Gene: HAND1 (heart and neural crest derivatives expressed 1; minus strand). Cytogenetic location: 5q33.2.
Variant type: single nucleotide variant.
Coding change: c.4A>G on transcript NM_004821.3 (MANE Select); coding-DNA position 4, A replaced by G.
Protein change: p.Asn2Asp; replaces asparagine 2 with aspartic acid.
Molecular consequence: missense variant.
Genome position (GRCh38, 1-based): chr5:154,478,005, T>C on the plus strand (A>G on the coding strand, the complement: HAND1 is on the minus strand). VCF-style: chr5-154478005-T-C. GRCh37 (hg19) VCF-style: chr5-153857565-T-C.
Other names: short protein forms N2D.
Identifiers: ClinVar variation 3672589 (VCV003672589.2).

ClinVar aggregate classification (germline): Uncertain significance (1 of 4 stars; one submission).

Conditions:
Hypoplastic left heart syndrome. Also called: Hypoplastic left heart; Hypoplastic left ventricle. Identifiers: Orphanet 2248, MedGen C0152101, MONDO:0004933, HP:0004383.

gnomAD v4.1: 37 of 1,597,550 alleles (0.0023%); highest among the groups gnomAD compares: Non-Finnish European, 0.0031%; no homozygotes.

Submission:

Labcorp Genetics (formerly Invitae), Labcorp
Classification: Uncertain significance for Hypoplastic left heart syndrome. Last evaluated: 2024-03-02. Review status: criteria provided, single submitter. Criteria: Invitae Variant Classification Sherloc (09022015). Collection method: clinical testing. Allele origin: germline.
Comment: This sequence change replaces asparagine, which is neutral and polar, with aspartic acid, which is acidic and polar, at codon 2 of the HAND1 protein (p.Asn2Asp). This variant is present in population databases (no rsID available, gnomAD 0.001%). This variant has not been reported in the literature in individuals affected with HAND1-related conditions. An algorithm developed to predict the effect of missense changes on protein structure and function (PolyPhen-2) suggests that this variant is likely to be tolerated. In summary, the available evidence is currently insufficient to determine the role of this variant in disease. Therefore, it has been classified as a Variant of Uncertain Significance.